The following is an entry in ClinVar:

NM_004415.4(DSP):c.4117A>C (p.Thr1373Pro)

Gene: DSP (desmoplakin; plus strand). Cytogenetic location: 6p24.3.
Variant type: single nucleotide variant.
Coding change: c.4117A>C on transcript NM_004415.4 (MANE Select); coding-DNA position 4117, A replaced by C.
Protein change: p.Thr1373Pro; replaces threonine 1373 with proline.
Molecular consequence: missense variant. On other transcripts: intron variant (2).
Genome position (GRCh38, 1-based): chr6:7,580,307, A>C. VCF-style: chr6-7580307-A-C. GRCh37 (hg19) VCF-style: chr6-7580540-A-C.
Other names: c.4050+67A>C (NM_001319034.2); c.3582+535A>C (NM_001008844.3); short protein forms T1373P.
Identifiers: ClinVar variation 4757483 (VCV004757483.1).

ClinVar aggregate classification (germline): Uncertain significance (1 of 4 stars; one submission).

Conditions:
Cardiomyopathy (CMYO). Also called: Cardiomyopathies. Identifiers: Orphanet 167848, MedGen C0878544, MONDO:0004994, HP:0001638. Inheritance: Various modes of inheritance.

gnomAD v4.1: 3 of 1,614,040 alleles (0.00019%); highest among the groups gnomAD compares: South Asian, 0.0022%; no homozygotes.

Submission:

Color Diagnostics, LLC DBA Color Health
Classification: Uncertain significance for Cardiomyopathy. Last evaluated: 2025-07-02. Review status: criteria provided, single submitter. Criteria: ACMG Guidelines, 2015. Collection method: clinical testing. Allele origin: germline.
Comment: This missense variant replaces threonine with proline at codon 1373 of the DSP protein. Computational prediction is inconclusive regarding the impact of this variant on protein structure and function. To our knowledge, functional studies have not been reported for this variant. This variant has been reported in an individual affected with dilated cardiomyopathy (PMID: 37904629). This variant has not been identified in the general population by the Genome Aggregation Database (gnomAD). The available evidence is insufficient to determine the role of this variant in disease conclusively. Therefore, this variant is classified as a Variant of Uncertain Significance.

Literature cited by the submitters: PubMed 37904629.